The following is an entry in ClinVar:

ClinVar aggregate classification (germline): Uncertain significance (1 of 4 stars; one submission).

Conditions:
Tuberous sclerosis 2 (TSC2). Identifiers: Orphanet 805, MedGen C1860707, MONDO:0013199, OMIM 613254.

Submission:

Labcorp Genetics (formerly Invitae), Labcorp
Classification: Uncertain significance for Tuberous sclerosis 2. Last evaluated: 2026-01-12. Review status: criteria provided, single submitter. Criteria: Invitae Variant Classification Sherloc (09022015). Collection method: clinical testing. Allele origin: germline.
Comment: This sequence change replaces serine, which is neutral and polar, with asparagine, which is neutral and polar, at codon 838 of the TSC2 protein (p.Ser838Asn). This variant is not present in population databases (gnomAD no frequency). This variant has not been reported in the literature in individuals affected with TSC2-related conditions. Invitae Evidence Modeling of protein sequence and biophysical properties (such as structural, functional, and spatial information, amino acid conservation, physicochemical variation, residue mobility, and thermodynamic stability) indicates that this missense variant is not expected to disrupt TSC2 protein function with a negative predictive value of 95%. In summary, the available evidence is currently insufficient to determine the role of this variant in disease. Therefore, it has been classified as a Variant of Uncertain Significance.

NM_000548.5(TSC2):c.2513G>A (p.Ser838Asn)

Gene: TSC2 (TSC complex subunit 2; plus strand). Cytogenetic location: 16p13.3.
Variant type: single nucleotide variant.
Coding change: c.2513G>A on transcript NM_000548.5 (MANE Select); coding-DNA position 2513, G replaced by A.
Protein change: p.Ser838Asn; replaces serine 838 with asparagine.
Molecular consequence: missense variant. On other transcripts: non-coding transcript variant (5).
Genome position (GRCh38, 1-based): chr16:2,074,357, G>A. VCF-style: chr16-2074357-G-A. GRCh37 (hg19) VCF-style: chr16-2124358-G-A.
Other names: c.1913G>A, p.Ser638Asn (NM_001406684.1, NM_001406685.1, NM_001406686.1 and 6 more transcripts); c.2513G>A, p.Ser838Asn (NM_021055.3, NM_001077183.3, NM_001114382.3 and 6 more transcripts); c.2603G>A, p.Ser868Asn (NM_001406667.1, NM_001406668.1); c.2402G>A, p.Ser801Asn (NM_001406670.1, NM_001406678.1, NM_001318827.2); c.2501G>A, p.Ser834Asn (NM_001406671.1, NM_001406673.1); c.2366G>A, p.Ser789Asn (NM_001406675.1, NM_001406676.1, NM_001406679.1 and 1 more transcripts); c.2456G>A, p.Ser819Asn (NM_001406677.1); c.1169G>A, p.Ser390Asn (NM_001406689.1, NM_001406690.1, NM_001406691.1 and 6 more transcripts); and 3 more; short protein forms S304N, S390N, S638N, S684N, S789N, S801N, S819N, S834N.
Identifiers: ClinVar variation 4802864 (VCV004802864.1).
Genomic context (GRCh38, chr16:2,074,357, plus strand): 5'-TCATCATCAAGGCGCTGCCTGTTCTGGTGGTGAAGCTCACGCACATCTCAGCCACAGCCA[G>A]CATGGCCGTCCCACTGCTGGAGTTCCTGTCCAGTGAGTCCCCGCCCTGCCTGCGCATGCA-3'
Protein context (NP_000539.2, residues 828-848): VKLTHISATA[Ser838Asn]MAVPLLEFLS